The following is an entry in ClinVar:

NM_005523.6(HOXA11):c.57T>C (p.Thr19=)

Genes: HOXA11 (homeobox A11; minus strand), LOC107126281 (NUP98-HOXA11 recombination region; plus strand). Cytogenetic location: 7p15.2.
Variant type: single nucleotide variant.
Coding change: c.57T>C on transcript NM_005523.6 (MANE Select); coding-DNA position 57, T replaced by C.
Protein change: p.Thr19=; no amino-acid change (threonine 19 retained).
Molecular consequence: synonymous variant.
Genome position (GRCh38, 1-based): chr7:27,185,088, A>G on the plus strand (T>C on the coding strand, the complement: HOXA11 is on the minus strand). VCF-style: chr7-27185088-A-G. GRCh37 (hg19) VCF-style: chr7-27224707-A-G.
Identifiers: ClinVar variation 4985013 (VCV004985013.1).

ClinVar aggregate classification (germline): Likely benign (1 of 4 stars; one submission).

Conditions:
HOXA11-related disorder. Also called: HOXA11-related condition.

Submission:

PreventionGenetics, part of Exact Sciences
Classification: Likely benign for HOXA11-related condition. Last evaluated: 2025-02-27. Review status: criteria provided, single submitter. Criteria: ACMG Guidelines, 2015. Collection method: clinical testing. Allele origin: germline.
Comment: This variant is classified as likely benign based on ACMG/AMP sequence variant interpretation guidelines (Richards et al. 2015 PMID: 25741868, with internal and published modifications).